The following is an entry in ClinVar:

ClinVar aggregate classification (germline): Conflicting classifications of pathogenicity. Review status: criteria provided, conflicting classifications (1 of 4 stars). 3 submissions from 3 submitters: Likely pathogenic (2); Uncertain significance (1). Last evaluated 2025-07-31.

Conditions:
Argininosuccinate lyase deficiency. Also called: ARGININOSUCCINIC ACID LYASE DEFICIENCY; ASL DEFICIENCY; Argininosuccinic aciduria. Identifiers: Orphanet 23, MedGen C0268547, MONDO:0008815, OMIM 207900, HP:0025630.

gnomAD v4.1: 3 of 1,603,560 alleles (0.00019%); highest among the groups gnomAD compares: Non-Finnish European, 0.00026%; no homozygotes.

Submissions (3):

Women's Health and Genetics/Laboratory Corporation of America, LabCorp
Classification: Uncertain significance. Last evaluated: 2025-07-31. Review status: criteria provided, single submitter. Criteria: LabCorp Variant Classification Summary - May 2015. Collection method: clinical testing. Allele origin: germline.
Comment: Variant summary: ASL c.544C>G (p.Arg182Gly) results in a non-conservative amino acid change in the encoded protein sequence. Algorithms developed to predict the effect of missense changes on protein structure and function all suggest that this variant is likely to be disruptive. The variant was absent in 228134 control chromosomes. The available data on variant occurrences in the general population are insufficient to allow any conclusion about variant significance. c.544C>G has been reported in the literature in individuals affected with Argininosuccinic Aciduria with non informative genotype (example: Balmer_2013, and Al-Jasmi_2016). These report(s) do not provide unequivocal conclusions about association of the variant with Argininosuccinic Aciduria. To our knowledge, no experimental evidence demonstrating an impact on protein function has been reported. The following publications have been ascertained in the context of this evaluation (PMID: 26589311, 24166829). ClinVar contains an entry for this variant (Variation ID: 2735029). Based on the evidence outlined above, the variant was classified as uncertain significance.

Natera, Inc.
Classification: Likely pathogenic for Argininosuccinate lyase deficiency. Last evaluated: 2025-05-01. Review status: criteria provided, single submitter. Criteria: Natera Variant Classification Schema (03/2026). Collection method: clinical testing. Allele origin: germline.
Comment: The c.544C>G variant in ASL is a missense variant predicted to cause substitution of arginine to glycine at amino acid 182. This variant is rare in the general population with a frequency below the threshold expected for the associated phenotype(s). This variant has been observed in one or more individuals affected with the associated recessive disease, as either homozygous or compound heterozygous with a second variant (PMID: 26589311, 24166829). A different variant at the same position has been determined to be Pathogenic or Likely Pathogenic. Computational prediction algorithms indicate this variant is likely to affect gene or protein function. Given the available evidence, this variant is classified as Likely Pathogenic.

Labcorp Genetics (formerly Invitae), Labcorp
Classification: Likely pathogenic for Argininosuccinate lyase deficiency. Last evaluated: 2023-04-11. Review status: criteria provided, single submitter. Criteria: Invitae Variant Classification Sherloc (09022015). Collection method: clinical testing. Allele origin: germline.
Comment: In summary, the currently available evidence indicates that the variant is pathogenic, but additional data are needed to prove that conclusively. Therefore, this variant has been classified as Likely Pathogenic. This variant disrupts the p.Arg182 amino acid residue in ASL. Other variant(s) that disrupt this residue have been determined to be pathogenic (PMID: 19703900, 24166829; Invitae). This suggests that this residue is clinically significant, and that variants that disrupt this residue are likely to be disease-causing. Advanced modeling of protein sequence and biophysical properties (such as structural, functional, and spatial information, amino acid conservation, physicochemical variation, residue mobility, and thermodynamic stability) performed at Invitae indicates that this missense variant is expected to disrupt ASL protein function. This variant has not been reported in the literature in individuals affected with ASL-related conditions. This variant is not present in population databases (gnomAD no frequency). This sequence change replaces arginine, which is basic and polar, with glycine, which is neutral and non-polar, at codon 182 of the ASL protein (p.Arg182Gly).

Literature cited by the submitters: PubMed 26589311 (cited by Women's Health and Genetics/Laboratory Corporation of America, LabCorp and Natera, Inc.); PubMed 24166829 (cited by 3 submitters); PubMed 19703900 (cited by Labcorp Genetics (formerly Invitae), Labcorp).

NM_000048.4(ASL):c.544C>G (p.Arg182Gly)

Gene: ASL (argininosuccinate lyase; plus strand). Cytogenetic location: 7q11.21.
Variant type: single nucleotide variant.
Coding change: c.544C>G on transcript NM_000048.4 (MANE Select); coding-DNA position 544, C replaced by G.
Protein change: p.Arg182Gly; replaces arginine 182 with glycine.
Molecular consequence: missense variant. On other transcripts: intron variant (1).
Genome position (GRCh38, 1-based): chr7:66,086,763, C>G. VCF-style: chr7-66086763-C-G. GRCh37 (hg19) VCF-style: chr7-65551750-C-G.
Other names: c.544C>G, p.Arg182Gly (NM_001024943.2, NM_001024944.2); c.524+101C>G (NM_001024946.2); c.544C>G (NM_000048.3); short protein forms R182G.
Identifiers: ClinVar variation 2735029 (VCV002735029.7), dbSNP rs398123126, ClinGen allele CA367642474.